The following is an entry in ClinVar:

ClinVar aggregate classification (germline): Benign. Review status: criteria provided, multiple submitters, no conflicts (2 of 4 stars). 5 submissions from 5 submitters: Benign (5). Last evaluated 2026-02-04.

Conditions:
Microcephalic osteodysplastic primordial dwarfism type II (MOPD2). Also called: Microcephalic osteodysplastic primordial dwarfism with tooth abnormalities; OSTEODYSPLASTIC PRIMORDIAL DWARFISM, TYPE II; MOPD II. Identifiers: Orphanet 2637, MedGen C0432246, MONDO:0008872, OMIM 210720.

Allele frequency attached by ClinVar (database versions not stated): gnomAD exomes 0.08108 and 0.09584; ExAC 0.10375; 1000 Genomes Project 0.17831; gnomAD 0.17835 and 0.18680; 1000 Genomes Project 30x 0.18535; TOPMed 0.18665; ESP Exome Variant Server 0.19706.
gnomAD v4.1: 146,490 of 1,613,944 alleles (9.1%); highest among the groups gnomAD compares: African/African-American, 44%; 12,116 homozygotes.

Submissions (5):

Labcorp Genetics (formerly Invitae), Labcorp
Classification: Benign. Last evaluated: 2026-02-04. Review status: criteria provided, single submitter. Criteria: Invitae Variant Classification Sherloc (09022015). Collection method: clinical testing. Allele origin: germline.

Illumina Laboratory Services, Illumina
Classification: Benign for Microcephalic osteodysplastic primordial dwarfism type II. Last evaluated: 2018-01-12. Review status: criteria provided, single submitter. Criteria: ICSL Variant Classification Criteria 13 December 2019. Collection method: clinical testing. Allele origin: germline.
Comment: This variant was observed in the ICSL laboratory as part of a predisposition screen in an ostensibly healthy population. It had not been previously curated by ICSL or reported in the Human Gene Mutation Database (HGMD: prior to June 1st, 2018), and was therefore a candidate for classification through an automated scoring system. Utilizing variant allele frequency, disease prevalence and penetrance estimates, and inheritance mode, an automated score was calculated to assess if this variant is too frequent to cause the disease. Based on the score and internal cut-off values, a variant classified as benign is not then subjected to further curation. The score for this variant resulted in a classification of benign for this disease.

GeneDx
Classification: Benign. Last evaluated: 2014-02-26. Review status: criteria provided, single submitter. Criteria: GeneDx Variant Classification (06012015). Collection method: clinical testing. Allele origin: germline. Affected: yes.
Comment: This variant is considered likely benign or benign based on one or more of the following criteria: it is a conservative change, it occurs at a poorly conserved position in the protein, it is predicted to be benign by multiple in silico algorithms, and/or has population frequency not consistent with disease.

Genetic Services Laboratory, University of Chicago
Classification: Benign. Last evaluated: 2013-02-08. Review status: criteria provided, single submitter. Criteria: ACMG Guidelines, 2007. Collection method: clinical testing. Allele origin: germline. Inheritance: Autosomal recessive inheritance.

Breakthrough Genomics
Classification: Benign. Review status: criteria provided, single submitter. Criteria: ACMG Guidelines, 2015. Collection method: not provided. Allele origin: germline. Inheritance: Autosomal recessive inheritance. Affected: yes.

NM_006031.6(PCNT):c.6563T>G (p.Met2188Arg)

Gene: PCNT (pericentrin; plus strand). Cytogenetic location: 21q22.3.
Variant type: single nucleotide variant.
Coding change: c.6563T>G on transcript NM_006031.6 (MANE Select); coding-DNA position 6563, T replaced by G.
Protein change: p.Met2188Arg; replaces methionine 2188 with arginine.
Molecular consequence: missense variant.
Genome position (GRCh38, 1-based): chr21:46,416,481, T>G. VCF-style: chr21-46416481-T-G. GRCh37 (hg19) VCF-style: chr21-47836395-T-G.
Other names: p.M2188R:ATG>AGG; c.6209T>G, p.Met2070Arg (NM_001315529.2); short protein forms M2188R, M2070R.
Identifiers: ClinVar variation 138624 (VCV000138624.17), dbSNP rs1044998, ClinGen allele CA173049.